The following is an entry in ClinVar:

ClinVar aggregate classification (germline): Likely benign. Review status: criteria provided, multiple submitters, no conflicts (2 of 4 stars). 3 submissions from 3 submitters: Likely benign (2). 1 of the submissions does not count toward it. Last evaluated 2024-02-02.

Conditions:
ITGB4-related disorder. Also called: ITGB4-related condition.

Allele frequency attached by ClinVar (database versions not stated): gnomAD exomes 0.00001; TOPMed 0.00001; ExAC 0.00001.
gnomAD v4.1: 19 of 1,612,188 alleles (0.0012%); highest among the groups gnomAD compares: Middle Eastern, 0.016%; no homozygotes.

Submissions (3):

Labcorp Genetics (formerly Invitae), Labcorp
Classification: Likely benign. Last evaluated: 2024-02-02. Review status: criteria provided, single submitter. Criteria: Invitae Variant Classification Sherloc (09022015). Collection method: clinical testing. Allele origin: germline.

Blueprint Genetics
Classification: Likely benign. Last evaluated: 2023-09-22. Review status: criteria provided, single submitter. Criteria: ACMG Guidelines, 2015. Collection method: clinical testing. Allele origin: germline.

PreventionGenetics, part of Exact Sciences
Classification: Likely benign for ITGB4-related condition. Last evaluated: 2020-06-18. Review status: no assertion criteria provided. Collection method: clinical testing. Allele origin: germline. Not counted in ClinVar's aggregate classification.
Comment: This variant is classified as likely benign based on ACMG/AMP sequence variant interpretation guidelines (Richards et al. 2015 PMID: 25741868, with internal and published modifications).

NM_000213.5(ITGB4):c.5310C>T (p.Ala1770=)

Genes: GALK1 (galactokinase 1; minus strand), ITGB4 (integrin subunit beta 4; plus strand). Cytogenetic location: 17q25.1.
Variant type: single nucleotide variant.
Coding change: c.5310C>T on transcript NM_000213.5 (MANE Select); coding-DNA position 5310, C replaced by T.
Protein change: p.Ala1770=; no amino-acid change (alanine 1770 retained).
Molecular consequence: synonymous variant. On other transcripts: intron variant (1).
Genome position (GRCh38, 1-based): chr17:75,757,291, C>T. VCF-style: chr17-75757291-C-T. GRCh37 (hg19) VCF-style: chr17-73753372-C-T.
Other names: c.5259C>T, p.Ala1753= (NM_001005619.2); c.5100C>T, p.Ala1700= (NM_001005731.3, NM_001321123.2); c.4950C>T, p.Ala1650= (NM_001438834.1); c.*22+743G>A (NM_001381985.1).
Identifiers: ClinVar variation 2955327 (VCV002955327.6), dbSNP rs771274592, ClinGen allele CA8770548.